The following is an entry in ClinVar:

ClinVar aggregate classification (germline): Likely benign. Review status: criteria provided, multiple submitters, no conflicts (2 of 4 stars). 5 submissions from 5 submitters: Likely benign (4). 1 of the submissions does not count toward it. Last evaluated 2025-09-16.

Conditions:
Cenani-Lenz syndactyly syndrome. Also called: SYNDACTYLY, TYPE VII; CENANI SYNDACTYLISM. Identifiers: Orphanet 3258, MedGen C1859309, MONDO:0008931, OMIM 212780.
Sclerosteosis 2 (SOST2). Identifiers: Orphanet 3152, MedGen C3280402, MONDO:0013679, OMIM 614305.
Congenital myasthenic syndrome 17. Identifiers: Orphanet 590, MedGen C4225377, MONDO:0014578, OMIM 616304.
LRP4-related disorder. Also called: LRP4-related condition.

Allele frequency attached by ClinVar (database versions not stated): gnomAD exomes 0.00004 and 0.00009; ExAC 0.00011; 1000 Genomes Project 0.00020; gnomAD 0.00022 and 0.00025; ESP Exome Variant Server 0.00023; 1000 Genomes Project 30x 0.00031; TOPMed 0.00032.
gnomAD v4.1: 95 of 1,614,098 alleles (0.0059%); highest among the groups gnomAD compares: African/African-American, 0.076%; no homozygotes.

Submissions (5):

Labcorp Genetics (formerly Invitae), Labcorp
Classification: Likely benign for Cenani-Lenz syndactyly syndrome; Sclerosteosis 2; Congenital myasthenic syndrome 17. Last evaluated: 2025-09-16. Review status: criteria provided, single submitter. Criteria: Invitae Variant Classification Sherloc (09022015). Collection method: clinical testing. Allele origin: germline.

Blueprint Genetics
Classification: Likely benign. Last evaluated: 2024-09-26. Review status: criteria provided, single submitter. Criteria: ACMG Guidelines, 2015. Collection method: clinical testing. Allele origin: germline.

Fulgent Genetics
Classification: Likely benign for Cenani-Lenz syndactyly syndrome; Sclerosteosis 2; Congenital myasthenic syndrome 17. Last evaluated: 2021-07-26. Review status: criteria provided, single submitter. Criteria: ACMG Guidelines, 2015. Collection method: clinical testing. Allele origin: unknown.

Breakthrough Genomics
Classification: Likely benign. Review status: criteria provided, single submitter. Criteria: ACMG Guidelines, 2015. Collection method: not provided. Allele origin: germline. Inheritance: Autosomal recessive inheritance. Affected: yes.

PreventionGenetics, part of Exact Sciences
Classification: Likely benign for LRP4-related condition. Last evaluated: 2019-02-19. Review status: no assertion criteria provided. Collection method: clinical testing. Allele origin: germline. Not counted in ClinVar's aggregate classification.
Comment: This variant is classified as likely benign based on ACMG/AMP sequence variant interpretation guidelines (Richards et al. 2015 PMID: 25741868, with internal and published modifications).

NM_002334.4(LRP4):c.273C>T (p.Asp91=)

Gene: LRP4 (LDL receptor related protein 4; minus strand). Cytogenetic location: 11p11.2.
Variant type: single nucleotide variant.
Coding change: c.273C>T on transcript NM_002334.4 (MANE Select); coding-DNA position 273, C replaced by T.
Protein change: p.Asp91=; no amino-acid change (aspartic acid 91 retained).
Molecular consequence: synonymous variant.
Genome position (GRCh38, 1-based): chr11:46,900,305, G>A on the plus strand (C>T on the coding strand, the complement: LRP4 is on the minus strand). VCF-style: chr11-46900305-G-A. GRCh37 (hg19) VCF-style: chr11-46921856-G-A.
Identifiers: ClinVar variation 535808 (VCV000535808.18), dbSNP rs150401820, ClinGen allele CA5970562.